The following is an entry in ClinVar:

ClinVar aggregate classification (germline): Conflicting classifications of pathogenicity. Review status: criteria provided, conflicting classifications (1 of 4 stars). 2 submissions from 2 submitters: Uncertain significance (1); Likely benign (1). Last evaluated 2024-10-16.

Conditions:
Early-infantile DEE. Also called: Ohtahara syndrome; Early infantile epileptic encephalopathy; Early infantile epileptic encephalopathy with suppression bursts. Identifiers: Orphanet 1934, MedGen C0393706, MONDO:0800491.

Allele frequency attached by ClinVar (database versions not stated): gnomAD below 0.00001; gnomAD exomes below 0.00001; ExAC 0.00001.

Submissions (2):

Labcorp Genetics (formerly Invitae), Labcorp
Classification: Likely benign for Early-infantile DEE. Last evaluated: 2024-10-16. Review status: criteria provided, single submitter. Criteria: Invitae Variant Classification Sherloc (09022015). Collection method: clinical testing. Allele origin: germline.

GeneDx
Classification: Uncertain significance. Last evaluated: 2023-05-03. Review status: criteria provided, single submitter. Criteria: GeneDx Variant Classification Process June 2021. Collection method: clinical testing. Allele origin: germline. Affected: yes.
Comment: Missense variants in this gene are often considered pathogenic (HGMD); In silico analysis supports that this missense variant does not alter protein structure/function; Has not been previously published as pathogenic or benign to our knowledge; This substitution is predicted to be within the extracellular loop between the S5 and S6 transmembrane segments of the third homologous domain.

NM_001165963.4(SCN1A):c.4159A>G (p.Ile1387Val)

Genes: SCN1A (sodium voltage-gated channel alpha subunit 1; minus strand), LOC102724058 (uncharacterized LOC102724058; plus strand). Cytogenetic location: 2q24.3.
Variant type: single nucleotide variant.
Coding change: c.4159A>G on transcript NM_001165963.4 (MANE Select); coding-DNA position 4159, A replaced by G.
Protein change: p.Ile1387Val; replaces isoleucine 1387 with valine.
Molecular consequence: missense variant. On other transcripts: non-coding transcript variant (1).
Genome position (GRCh38, 1-based): chr2:166,002,597, T>C on the plus strand (A>G on the coding strand, the complement: SCN1A is on the minus strand). VCF-style: chr2-166002597-T-C. GRCh37 (hg19) VCF-style: chr2-166859107-T-C.
Other names: c.4075A>G, p.Ile1359Val (NM_001165964.3, NM_001353957.2, NM_001353958.2); c.4159A>G, p.Ile1387Val (NM_001202435.3, NM_001353948.2); c.4126A>G, p.Ile1376Val (NM_001353949.2, NM_001353950.2, NM_001353951.2 and 2 more transcripts); c.4123A>G, p.Ile1375Val (NM_001353954.2, NM_001353955.2); c.4072A>G, p.Ile1358Val (NM_001353960.2); c.1717A>G, p.Ile573Val (NM_001353961.2); short protein forms I1359V, I1375V, I1376V, I1387V, I573V, I1358V.
Identifiers: ClinVar variation 666103 (VCV000666103.12), dbSNP rs764507532, ClinGen allele CA1942834.